The following is an entry in ClinVar:

ClinVar aggregate classification (germline): Uncertain significance. Review status: criteria provided, multiple submitters, no conflicts (2 of 4 stars). 2 submissions from 2 submitters: Uncertain significance (2). Last evaluated 2022-01-19.

Allele frequency attached by ClinVar (database versions not stated): gnomAD exomes 0.00001.
gnomAD v4.1: 9 of 1,555,156 alleles (0.00058%); highest among the groups gnomAD compares: African/African-American, 0.0014%; no homozygotes.

Submissions (2):

Women's Health and Genetics/Laboratory Corporation of America, LabCorp
Classification: Uncertain significance. Last evaluated: 2022-01-19. Review status: criteria provided, single submitter. Criteria: LabCorp Variant Classification Summary - May 2015. Collection method: clinical testing. Allele origin: germline.
Comment: Variant summary: TSEN54 c.197T>C (p.Leu66Pro) results in a non-conservative amino acid change located in the N-terminal domain (IPR024336) of the encoded protein sequence. Five of five in-silico tools predict a damaging effect of the variant on protein function. The variant allele was found at a frequency of 6.4e-06 in 157460 control chromosomes (gnomAD 2.1 exomes dataset). The available data on variant occurrences in the general population are insufficient to allow any conclusion about variant significance. To our knowledge, no occurrence of c.197T>C in individuals affected with Pontocerebellar Hypoplasia and no experimental evidence demonstrating its impact on protein function have been reported. No clinical diagnostic laboratories have submitted clinical-significance assessments for this variant to ClinVar after 2014. Based on the evidence outlined above, the variant was classified as uncertain significance.

Labcorp Genetics (formerly Invitae), Labcorp
Classification: Uncertain significance. Last evaluated: 2021-09-01. Review status: criteria provided, single submitter. Criteria: Invitae Variant Classification Sherloc (09022015). Collection method: clinical testing. Allele origin: germline.
Comment: This sequence change replaces leucine with proline at codon 66 of the TSEN54 protein (p.Leu66Pro). The leucine residue is highly conserved and there is a moderate physicochemical difference between leucine and proline. The frequency data for this variant in the population databases is considered unreliable, as metrics indicate insufficient coverage at this position in the ExAC database. This missense change has been observed in individual(s) with clinical features of pontocerebellar hypoplasia (Invitae). In at least one individual the data is consistent with the variant being in trans (on the opposite chromosome) from a pathogenic variant. Algorithms developed to predict the effect of missense changes on protein structure and function (SIFT, PolyPhen-2, Align-GVGD) all suggest that this variant is likely to be disruptive. In summary, the available evidence is currently insufficient to determine the role of this variant in disease. Therefore, it has been classified as a Variant of Uncertain Significance.

NM_207346.3(TSEN54):c.197T>C (p.Leu66Pro)

Gene: TSEN54 (tRNA splicing endonuclease subunit 54; plus strand). Cytogenetic location: 17q25.1.
Variant type: single nucleotide variant.
Coding change: c.197T>C on transcript NM_207346.3 (MANE Select); coding-DNA position 197, T replaced by C.
Protein change: p.Leu66Pro; replaces leucine 66 with proline.
Molecular consequence: missense variant.
Genome position (GRCh38, 1-based): chr17:75,516,886, T>C. VCF-style: chr17-75516886-T-C. GRCh37 (hg19) VCF-style: chr17-73512967-T-C.
Other names: short protein forms L66P.
Identifiers: ClinVar variation 1339726 (VCV001339726.6), dbSNP rs1388222262, ClinGen allele CA401027192.
Genomic context (GRCh38, chr17:75,516,886, plus strand): 5'-ACGGCTCGGCAGCTCAGGCCGAGCGGCTGCGCCGGTGCCGGGAAGAGCTCTGGCAGCTGC[T>C]GGCAGAGCAGCGCGTGGAGCGCCTGTGAGAGGGGCGGGCCCAGGGGTAAGGGAAGCGGGG-3'
Protein context (NP_997229.2, residues 56-76): RRCREELWQL[Leu66Pro]AEQRVERLGS